The following is an entry in ClinVar:

ClinVar aggregate classification (germline): Benign/Likely benign. Review status: criteria provided, multiple submitters, no conflicts (2 of 4 stars). 8 submissions from 8 submitters: Benign (7); Likely benign (1). Last evaluated 2026-02-04.

Conditions:
Primary ciliary dyskinesia 18. Also called: CILIARY DYSKINESIA, PRIMARY, 18, WITH OR WITHOUT SITUS INVERSUS. Identifiers: Orphanet 244, MedGen C3543825, MONDO:0013940, OMIM 614874.
Primary ciliary dyskinesia. Also called: Ciliary dyskinesia. Identifiers: Orphanet 244, MedGen C0008780, MONDO:0016575, HP:0012265.

Allele frequency attached by ClinVar (database versions not stated): 1000 Genomes Project 0.75899; 1000 Genomes Project 30x 0.75953; gnomAD 0.76245; TOPMed 0.78143; ESP Exome Variant Server 0.79183; ExAC 0.83850.
gnomAD v4.1: 1,288,365 of 1,585,028 alleles (81%); highest among the groups gnomAD compares: South Asian, 87%; 525,722 homozygotes.

Submissions (8):

Labcorp Genetics (formerly Invitae), Labcorp
Classification: Benign for Primary ciliary dyskinesia. Last evaluated: 2026-02-04. Review status: criteria provided, single submitter. Criteria: Invitae Variant Classification Sherloc (09022015). Collection method: clinical testing. Allele origin: germline.

Blueprint Genetics
Classification: Likely benign. Last evaluated: 2024-11-27. Review status: criteria provided, single submitter. Criteria: ACMG Guidelines, 2015. Collection method: clinical testing. Allele origin: germline.

Mayo Clinic Laboratories, Mayo Clinic
Classification: Benign. Last evaluated: 2022-04-26. Review status: criteria provided, single submitter. Criteria: ACMG Guidelines, 2015. Collection method: clinical testing. Allele origin: germline. Observed: 200 variant alleles.

Genome-Nilou Lab
Classification: Benign for Primary ciliary dyskinesia 18. Last evaluated: 2021-07-14. Review status: criteria provided, single submitter. Criteria: ACMG Guidelines, 2015. Collection method: clinical testing. Allele origin: germline. Affected: no.

GeneDx
Classification: Benign. Last evaluated: 2018-11-12. Review status: criteria provided, single submitter. Criteria: GeneDx Variant Classification Process June 2021. Collection method: clinical testing. Allele origin: germline. Affected: yes.

Ambry Genetics
Classification: Benign for Primary ciliary dyskinesia. Last evaluated: 2016-07-07. Review status: criteria provided, single submitter. Criteria: Ambry Variant Classification Scheme 2023. Collection method: clinical testing. Allele origin: germline.

Laboratory for Molecular Medicine, Mass General Brigham Personalized Medicine
Classification: Benign. Last evaluated: 2016-03-29. Review status: criteria provided, single submitter. Criteria: LMM Criteria. Collection method: clinical testing. Allele origin: germline.
Comment: Variant identified in a genome or exome case(s) and assessed due to predicted null impact of the variant or pathogenic assertions in the literature or databases. Disclaimer: This variant has not undergone full assessment. The following are preliminary notes: Frequency

PreventionGenetics, part of Exact Sciences
Classification: Benign. Review status: criteria provided, single submitter. Criteria: ACMG Guidelines, 2015. Collection method: clinical testing. Allele origin: germline.

NM_017802.4(DNAAF5):c.906-4T>G

Gene: DNAAF5 (dynein axonemal assembly factor 5; plus strand). Cytogenetic location: 7p22.3.
Variant type: single nucleotide variant.
Coding change: c.906-4T>G on transcript NM_017802.4 (MANE Select); 4 bases into the intron before coding-DNA position 906, T replaced by G.
Molecular consequence: intron variant.
Genome position (GRCh38, 1-based): chr7:741,343, T>G. VCF-style: chr7-741343-T-G. GRCh37 (hg19) VCF-style: chr7-780980-T-G.
Other names: p.?.
Identifiers: ClinVar variation 260939 (VCV000260939.23), dbSNP rs6943337, ClinGen allele CA4110533.
Genomic context (GRCh38, chr7:741,343, plus strand): 5'-CAGCCCTGCGGCCTCCCCTGCGTGCCCTGCCCTGAGCCACTGTTGTCTGTCTGTTGTGCC[T>G]CAGGCAGCTGGCTGCCAGCCTCTGGGAGGACGTTGGCCTGCAGTGGCAGAAGGAGAATGA-3'